The following is an entry in ClinVar:

NM_001463.4(FRZB):c.598C>T (p.Arg200Trp)

Gene: FRZB (frizzled related protein; minus strand). Cytogenetic location: 2q32.1.
Variant type: single nucleotide variant.
Coding change: c.598C>T on transcript NM_001463.4 (MANE Select); coding-DNA position 598, C replaced by T.
Protein change: p.Arg200Trp; replaces arginine 200 with tryptophan.
Molecular consequence: missense variant.
Genome position (GRCh38, 1-based): chr2:182,838,608, G>A on the plus strand (C>T on the coding strand, the complement: FRZB is on the minus strand). VCF-style: chr2-182838608-G-A. GRCh37 (hg19) VCF-style: chr2-183703336-G-A.
Other names: c.598C>T (NM_001463.3); short protein forms R200W.
Identifiers: ClinVar variation 5221 (VCV000005221.3), dbSNP rs288326, ClinGen allele CA117344.

ClinVar aggregate classification (germline): Benign; risk factor. Review status: no assertion criteria provided (0 of 4 stars). 2 submissions from 2 submitters: Benign (1). Last evaluated 2024-06-08.

Conditions:
Osteoarthritis susceptibility 1 (OS1). Also called: OSTEOARTHRITIS OF HIP, FEMALE-SPECIFIC, SUSCEPTIBILITY TO. Identifiers: MedGen C3887876, MONDO:0008143, OMIM 165720.
FRZB-related disorder. Also called: FRZB-related condition.

Allele frequency attached by ClinVar (database versions not stated): 1000 Genomes Project 0.04393; 1000 Genomes Project 30x 0.04747; gnomAD 0.07973 and 0.08361; gnomAD exomes 0.08185 and 0.10434; ExAC 0.08189; TOPMed 0.08277.

Submissions (2):

PreventionGenetics, part of Exact Sciences
Classification: Benign for FRZB-related condition. Last evaluated: 2024-06-08. Review status: no assertion criteria provided. Collection method: clinical testing. Allele origin: germline.
Comment: This variant is classified as benign based on ACMG/AMP sequence variant interpretation guidelines (Richards et al. 2015 PMID: 25741868, with internal and published modifications).

OMIM
Classification: risk factor for OSTEOARTHRITIS SUSCEPTIBILITY 1. Last evaluated: 2004-06-29. Review status: no assertion criteria provided. Collection method: literature only. Allele origin: germline.

Literature cited by the submitters: PubMed 15210948 (cited by OMIM).